The following is an entry in ClinVar:

NM_001267550.2(TTN):c.46272C>A (p.Tyr15424Ter)

Gene: TTN (titin; minus strand). Cytogenetic location: 2q31.2.
Variant type: single nucleotide variant.
Coding change: c.46272C>A on transcript NM_001267550.2 (MANE Select); coding-DNA position 46272, C replaced by A.
Protein change: p.Tyr15424Ter; replaces tyrosine 15424 with a stop codon.
Molecular consequence: nonsense.
Genome position (GRCh38, 1-based): chr2:178,620,249, G>T on the plus strand (C>A on the coding strand, the complement: TTN is on the minus strand). VCF-style: chr2-178620249-G-T. GRCh37 (hg19) VCF-style: chr2-179484976-G-T.
Other names: c.41349C>A, p.Tyr13783Ter (NM_001256850.1); c.19077C>A, p.Tyr6359Ter (NM_003319.4); c.38568C>A, p.Tyr12856Ter (NM_133378.4); c.19452C>A, p.Tyr6484Ter (NM_133432.3); c.19653C>A, p.Tyr6551Ter (NM_133437.4); short protein forms Y12856*, Y15424*, Y13783*, Y6359*, Y6484*, Y6551*.
Identifiers: ClinVar variation 842206 (VCV000842206.14), dbSNP rs879139686, ClinGen allele CA60993040.

ClinVar aggregate classification (germline): Pathogenic/Likely pathogenic. Review status: criteria provided, multiple submitters, no conflicts (2 of 4 stars). 4 submissions from 4 submitters: Pathogenic (2); Likely pathogenic (2). Last evaluated 2025-05-05.

Conditions:
Primary dilated cardiomyopathy (DCM). Also called: Dilated Cardiomyopathy. Identifiers: Orphanet 217604, MedGen C0007193, MeSH D002311, MONDO:0005021, HP:0001644. Inheritance: Various modes of inheritance.
Autosomal recessive limb-girdle muscular dystrophy type 2J (LGMDR10). Also called: Limb-girdle muscular dystrophy, type 2J; MUSCULAR DYSTROPHY, LIMB-GIRDLE, AUTOSOMAL RECESSIVE 10. Identifiers: Orphanet 140922, MedGen C1837342, MONDO:0012127, OMIM 608807.
Dilated cardiomyopathy 1G (CMD1G). Identifiers: Orphanet 154, MedGen C1858763, MONDO:0011400, OMIM 604145.
Cardiovascular phenotype. Identifiers: MedGen CN230736.

Allele frequency attached by ClinVar (database versions not stated): gnomAD exomes below 0.00001.
gnomAD v4.1: 2 of 1,539,832 alleles (0.00013%); highest among the groups gnomAD compares: Non-Finnish European, 0.000087%; no homozygotes.

Submissions (4):

Ambry Genetics
Classification: Pathogenic for Cardiovascular phenotype. Last evaluated: 2025-05-05. Review status: criteria provided, single submitter. Criteria: Ambry Variant Classification Scheme 2023. Collection method: clinical testing. Allele origin: germline.
Comment: The c.19077C>A (p.Y6359*) alteration, located in exon 76 (coding exon 75) of the TTN gene, consists of a C to A substitution at nucleotide position 19077. This changes the amino acid from a tyrosine (Y) to a stop codon at amino acid position 6359. This variant is expected to result in loss of function by premature protein truncation or nonsense-mediated mRNA decay. This variant was not reported in population-based cohorts in the Genome Aggregation Database (gnomAD). This variant was reported in individual(s) with features consistent with dilated cardiomyopathy (external communication; Ambry internal data). This exon is located in the I-band region of the N2-B isoform of the titin protein and is constitutively expressed in TTN transcripts (percent spliced in or PSI 100%). While truncating variants in TTN are present in 1-3% of the general population, truncating variants in the A-band are the most common cause of dilated cardiomyopathy (Herman, 2012; Roberts, 2015). TTN truncating variants encoded in constitutive exons (PSI >90%) have been found to be significantly associated with DCM regardless of their position in titin (Schafer, 2017; Akhtar, 2020; Massier, 2025). Based on the available evidence, this alteration is classified as pathogenic.

Labcorp Genetics (formerly Invitae), Labcorp
Classification: Pathogenic for Dilated cardiomyopathy 1G; Autosomal recessive limb-girdle muscular dystrophy type 2J. Last evaluated: 2024-11-04. Review status: criteria provided, single submitter. Criteria: Invitae Variant Classification Sherloc (09022015). Collection method: clinical testing. Allele origin: germline.
Comment: This sequence change creates a premature translational stop signal (p.Tyr15424*) in the TTN gene. While this is not anticipated to result in nonsense mediated decay, it is expected to create a truncated TTN protein. This variant is not present in population databases (gnomAD no frequency). This premature translational stop signal has been observed in individuals with autosomal dominant dilated cardiomyopathy (internal data). ClinVar contains an entry for this variant (Variation ID: 842206). This variant is located in the I band of TTN (PMID: 25589632). Truncating variants in this region have been reported in individuals affected with autosomal recessive centronuclear myopathy (PMID: 23975875, internal data). Truncating variants in this region have also been identified in individuals affected with autosomal dominant dilated cardiomyopathy and/or cardio-related conditions (PMID: 27869827, 32964742, internal data). For these reasons, this variant has been classified as Pathogenic.

Genetics and Molecular Pathology, SA Pathology
Classification: Likely pathogenic for Autosomal recessive limb-girdle muscular dystrophy type 2J. Last evaluated: 2023-11-16. Review status: criteria provided, single submitter. Criteria: ACMG Guidelines, 2015. Collection method: clinical testing. Allele origin: germline. Affected: yes.
Comment: The TTN c.46272C>A variant is classified as Likely Pathogenic (PVS1, PM2) The TTN c.46272C>A variant is a single nucleotide change which is predicted to result in premature termination of the protein product at codon 15424 (PVS1). This variant is rare in population databases (2 alleles in GnomAD v4), and homozygous loss of function variants in the TTN gene are absent in the healthy population databases (PM2). The variant has been reported in dbSNP (rs879139686) and has been reported as Uncertain significance by other diagnostic laboratories (ClinVar Variation ID: 842206). It has not been reported in HGMD. This variant has been co-inherited with a likely pathogenic, hemizygous missense SRPK3 variant. Digenic inheritance of deleterious TTN and SRPK3 can contribute to a newly described skeletal muscle myopathy (Topf et al, 2024, PMID:38429495).

Laboratory for Molecular Medicine, Mass General Brigham Personalized Medicine
Classification: Likely pathogenic for Primary dilated cardiomyopathy. Last evaluated: 2019-01-18. Review status: criteria provided, single submitter. Criteria: ACMG Guidelines, 2015. Collection method: clinical testing. Allele origin: germline.
Comment: The p.Tyr12856X variant in TTN has not been previously reported in individuals with DCM and was absent from large population studies. This nonsense variant leads to a premature termination codon at position 12856, which is predicted to lead to a truncated or absent protein. Nonsense and other truncating variants in TTN are strongly associated with DCM if they impact the exons encoding for the A-band (Herman 2012, Pugh 2014) and/or are located in an exon that is highly expressed in the heart (Roberts 2015). The p.Tyr12856X variant is located in a highly expressed exon in the I-band. In addition, computational tools predict the possible creation of a novel splice site, but their accuracy is unknown. In summary, although additional studies are required to fully establish its clinical significance, this variant meets criteria to be classified as likely pathogenic for autosomal dominant DCM. ACMG/AMP Criteria applied: PVS1, PM2.

Literature cited by the submitters: PubMed 22335739 (cited by Ambry Genetics); PubMed 25589632 (cited by Ambry Genetics and Labcorp Genetics (formerly Invitae), Labcorp); PubMed 27869827 (cited by Ambry Genetics and Labcorp Genetics (formerly Invitae), Labcorp); PubMed 32964742 (cited by Ambry Genetics and Labcorp Genetics (formerly Invitae), Labcorp); PubMed 39844436 (cited by Ambry Genetics); PubMed 23975875 (cited by Labcorp Genetics (formerly Invitae), Labcorp); PubMed 38429495 (cited by Genetics and Molecular Pathology, SA Pathology).